The following is an entry in ClinVar:

NM_000038.6(APC):c.1240C>T (p.Arg414Cys)

Gene: APC (APC regulator of Wnt signaling pathway; plus strand). Cytogenetic location: 5q22.2.
Variant type: single nucleotide variant.
Coding change: c.1240C>T on transcript NM_000038.6 (MANE Select); coding-DNA position 1240, C replaced by T.
Protein change: p.Arg414Cys; replaces arginine 414 with cysteine.
Molecular consequence: missense variant.
Genome position (GRCh38, 1-based): chr5:112,819,272, C>T. VCF-style: chr5-112819272-C-T. GRCh37 (hg19) VCF-style: chr5-112154969-C-T.
Other names: p.R414C:CGC>TGC; NM_000038.6(APC):c.1240C>T; c.1240C>T, p.Arg414Cys (NM_001127510.3, NM_001354895.2, NM_001354896.2); c.1186C>T, p.Arg396Cys (NM_001127511.3); c.1270C>T, p.Arg424Cys (NM_001354897.2); c.1165C>T, p.Arg389Cys (NM_001354898.2); c.1156C>T, p.Arg386Cys (NM_001354899.2); c.1063C>T, p.Arg355Cys (NM_001354900.2, NM_001354901.2); and 5 more; short protein forms R414C, R396C, R288C, R131C, R254C, R313C, R386C, R389C.
Identifiers: ClinVar variation 797 (VCV000000797.94), dbSNP rs137854567, ClinGen allele CA004103.

ClinVar aggregate classification (germline): Benign. Review status: reviewed by expert panel (3 of 4 stars). 31 submissions from 31 submitters: Benign (1). 30 of the submissions do not count toward it. Last evaluated 2023-02-18.

Conditions:
APC-Associated Polyposis Disorders.
Classic or attenuated familial adenomatous polyposis. Identifiers: MedGen CN372698, MONDO:0021057.
Hereditary cancer-predisposing syndrome. Also called: Neoplastic Syndromes, Hereditary; Tumor predisposition; Hereditary Cancer Syndrome; Hereditary neoplastic syndrome. Identifiers: Orphanet 140162, MedGen C0027672, MeSH D009386, MONDO:0015356.
Familial adenomatous polyposis 1 (FAP1). Also called: FAMILIAL ADENOMATOUS POLYPOSIS 1, ATTENUATED; POLYPOSIS, ADENOMATOUS INTESTINAL. Identifiers: MedGen C2713442, MONDO:0021056, OMIM 175100. Disease mechanism: loss of function.
Gardner syndrome (GS). Also called: Gardner's syndrome; Polyposis coli and multiple hard and soft tissue tumors; Intestinal polyposis, osteomas, sebaceous cysts. Identifiers: MedGen C0017097, MONDO:0019336. Disease mechanism: loss of function.

Allele frequency attached by ClinVar (database versions not stated): 1000 Genomes Project 30x 0.00031; TOPMed 0.00038; 1000 Genomes Project 0.00040; gnomAD 0.00050 and 0.00053; gnomAD exomes 0.00072; ExAC 0.00087.
gnomAD v4.1: 1,124 of 1,614,024 alleles (0.07%); highest among the groups gnomAD compares: Non-Finnish European, 0.081%; 1 homozygote.

Submissions 1 to 14 of 31:

ClinGen InSiGHT Hereditary Colorectal Cancer/Polyposis Variant Curation Expert Panel
Classification: Benign for Familial adenomatous polyposis 1. Last evaluated: 2023-02-18. Review status: reviewed by expert panel. Criteria: ClinGen InSiGHT HCCP VCEP ACMG Specifications APC V1. Collection method: curation. Allele origin: germline. Inheritance: Autosomal dominant inheritance.
Comment: The c.1240C>T variant in APC is a missense variant predicted to cause the substitution of arginine by cysteine at amino acid 414 (p.Arg414Cys). This variant has been observed in heterozygous state in more than 1000 healthy unrelated adult individuals worth more than 10 healthy individual points in total (BS2; Invitae, Ambry, and GeneDX internal data). It has been observed in trans with a variant classified as Pathogenic by the ClinGen InSiGHT Hereditary Colorectal Cancer/Polyposis Variant Curation Expert Panel (HCCP VCEP) in an individual with FAP (BP2). The highest allele frequency of this variant is 0.001835 in European (Finnish) population, which is higher than the HCCP VCEP threshold (0.001) for BA1. Finally, APC is defined by the HCCP VCEP as a gene for which primarily truncating variants are known to cause disease (BP1). In summary, this variant meets the criteria to be classified as Benign for FAP based on the ACMG/AMP criteria applied, as specified by the HCCP VCEP: BA1, BS2, BP1 and BP2 (VCEP specifications version 1; date of approval: 12/12/2022).

Labcorp Genetics (formerly Invitae), Labcorp
Classification: Benign for Familial adenomatous polyposis 1. Last evaluated: 2026-02-03. Review status: criteria provided, single submitter. Criteria: Invitae Variant Classification Sherloc (09022015). Collection method: clinical testing. Allele origin: germline. Not counted in ClinVar's aggregate classification.

CeGaT Center for Human Genetics Tuebingen
Classification: Likely benign. Last evaluated: 2026-02-01. Review status: criteria provided, single submitter. Criteria: CeGaT Center For Human Genetics Tuebingen Variant Classification Criteria Version 2. Collection method: clinical testing. Allele origin: germline. Affected: yes. Observed: 6 variant alleles. Not counted in ClinVar's aggregate classification.
Comment: APC: BS1:Supporting, BS3:Supporting

ARUP Laboratories, Molecular Genetics and Genomics, ARUP Laboratories
Classification: Likely benign. Last evaluated: 2025-05-23. Review status: criteria provided, single submitter. Criteria: ARUP Molecular Germline Variant Investigation Process 2024. Collection method: clinical testing. Allele origin: germline. Not counted in ClinVar's aggregate classification.

Center for Genomic Medicine, Rigshospitalet, Copenhagen University Hospital
Classification: Benign. Last evaluated: 2025-03-04. Review status: criteria provided, single submitter. Criteria: ACMG Guidelines, 2015. Collection method: clinical testing. Allele origin: germline. Not counted in ClinVar's aggregate classification.

Department of Pathology and Laboratory Medicine, Sinai Health System
Classification: Benign for classic or attenuated familial adenomatous polyposis. Last evaluated: 2025-02-04. Review status: criteria provided, single submitter. Criteria: ACMG Guidelines, 2015. Collection method: clinical testing. Allele origin: germline. Affected: yes. Not counted in ClinVar's aggregate classification.

Blueprint Genetics
Classification: Benign. Last evaluated: 2024-11-08. Review status: criteria provided, single submitter. Criteria: ACMG Guidelines, 2015. Collection method: clinical testing. Allele origin: germline. Not counted in ClinVar's aggregate classification.

Institute for Biomarker Research, Medical Diagnostic Laboratories, L.L.C.
Classification: Benign for Hereditary cancer-predisposing syndrome. Last evaluated: 2024-10-15. Review status: criteria provided, single submitter. Criteria: ACMG Guidelines, 2015. Collection method: clinical testing. Allele origin: germline. Not counted in ClinVar's aggregate classification.
Comment: The missense variant NM_000038.6(APC):c.1240C>T (p.Arg414Cys) has been reported to ClinVar as Benign with a status of (3 stars) reviewed by expert panel (Variation ID 797 as of 2024-10-03). The variant is observed in one or more well-documented healthy adults. The p.Arg414Cys variant is observed in 40/21,606 (0.1851%) alleles from individuals of gnomAD European Finnish background in gnomAD, which is greater than expected for the disorder. There is a large physicochemical difference between arginine and cysteine, which is likely to impact secondary protein structure as these residues differ in polarity, charge, size and/or other properties. The p.Arg414Cys missense variant is predicted to be damaging by both SIFT and PolyPhen2. The arginine residue at codon 414 of APC is conserved in all mammalian species. The nucleotide c.1240 in APC is predicted conserved by GERP++ and PhyloP across 100 vertebrates. For these reasons, this variant has been classified as Benign.

Myriad Genetics, Inc.
Classification: Likely benign for Familial adenomatous polyposis 1. Last evaluated: 2024-03-01. Review status: criteria provided, single submitter. Criteria: Myriad Autosomal Dominant, Autosomal Recessive and X-Linked Classification Criteria (2023). Collection method: clinical testing. Allele origin: unknown. Not counted in ClinVar's aggregate classification.
Comment: This variant is considered likely benign. This variant has been observed at a population frequency that is significantly greater than expected given the associated disease prevalence and penetrance.

St. Jude Molecular Pathology, St. Jude Children's Research Hospital
Classification: Likely benign for Familial adenomatous polyposis 1. Last evaluated: 2021-08-05. Review status: criteria provided, single submitter. Criteria: St. Jude Assertion Criteria 2020. Collection method: clinical testing. Allele origin: germline. Not counted in ClinVar's aggregate classification.
Comment: The APC c.1240C>T (p.Arg414Cys) missense change has a maximum non-founder subpopulation frequency of 0.097% in gnomAD v2.1.1. This is higher than the reported incidence of APC-related familial adenomatous polyposis (BS1). It was also found to be homozygous in one individual (BS2_supporting). Six of seven in silico tools predict a deleterious effect of this variant on protein function (PP3), but a functional assay indicated that this variant maintained inhibitor activity on the transcription mediated by the beta-catenin/TCF4 complex, similar to the wild-type (BS3_supporting). This variant has been reported in individuals with confirmed or suspected FAP and attenuated FAP (PMID: 18199528, 20223039, 24790607, 25142776, 27435373, 31285513). In one case, the patient's adenoma demonstrated that the tumor lost the allele carrying the p.R414C variant and retained only the normal allele, suggesting a benign effect (PMID: 24790607). In summary, this variant meets criteria to be classified as likely benign based on the ACMG/AMP criteria: BS1, BS2_supporting, BS3_supporting, PP3.

Genetic Services Laboratory, University of Chicago
Classification: Likely benign. Last evaluated: 2021-01-07. Review status: criteria provided, single submitter. Criteria: ACMG Guidelines, 2015. Collection method: clinical testing. Allele origin: germline. Affected: no. Not counted in ClinVar's aggregate classification.

GeneDx
Classification: Likely benign. Last evaluated: 2020-12-28. Review status: criteria provided, single submitter. Criteria: GeneDx Variant Classification Process June 2021. Collection method: clinical testing. Allele origin: germline. Affected: yes. Not counted in ClinVar's aggregate classification.
Comment: This variant is associated with the following publications: (PMID: 20223039, 22703879, 19822006, 29936255, 25637381, 21859464, 1651563, 24728327, 1316610, 11317365, 18199528, 20685668, 25142776, 22000517, 24790607, 14633595, 26332594, 27621404, 27930734, 28135136, 27435373, 29549174)

Sema4
Classification: Likely benign for Hereditary cancer-predisposing syndrome. Last evaluated: 2020-10-12. Review status: criteria provided, single submitter. Criteria: Sema4 Curation Guidelines. Collection method: curation. Allele origin: germline. Not counted in ClinVar's aggregate classification.

Quest Diagnostics Nichols Institute San Juan Capistrano
Classification: Likely benign. Last evaluated: 2020-09-23. Review status: criteria provided, single submitter. Criteria: Quest Diagnostics criteria. Collection method: clinical testing. Allele origin: unknown. Not counted in ClinVar's aggregate classification.